The following is an entry in ClinVar:

NM_020719.3(PRR12):c.4479C>G (p.Pro1493=)

Gene: PRR12 (proline rich 12; plus strand). Cytogenetic location: 19q13.33.
Variant type: single nucleotide variant.
Coding change: c.4479C>G on transcript NM_020719.3 (MANE Select); coding-DNA position 4479, C replaced by G.
Protein change: p.Pro1493=; no amino-acid change (proline 1493 retained).
Molecular consequence: synonymous variant.
Genome position (GRCh38, 1-based): chr19:49,601,624, C>G. VCF-style: chr19-49601624-C-G. GRCh37 (hg19) VCF-style: chr19-50104881-C-G.
Identifiers: ClinVar variation 5040222 (VCV005040222.1).
Genomic context (GRCh38, chr19:49,601,624, plus strand): 5'-ACCCCCTCCGCCGCCACAGCCAGCCCTGCCCTCGCCACCCCCGCTGGTGGCCCCCACGCC[C>G]AGCTCACCACCGCCACCGCCGCTGCCGCCGCCACCTCCACCAGCCATGCCCTCGCCTCCA-3'
Protein context (NP_065770.1, residues 1483-1503): PSPPPLVAPT[Pro1493=]SSPPPPPLPP

ClinVar aggregate classification (germline): Likely benign (1 of 4 stars; one submission).

Submission:

CeGaT Center for Human Genetics Tuebingen
Classification: Likely benign. Last evaluated: 2026-07-01. Review status: criteria provided, single submitter. Criteria: CeGaT Center For Human Genetics Tuebingen Variant Classification Criteria Version 2. Collection method: clinical testing. Allele origin: germline. Affected: yes. Observed: 1 variant allele.
Comment: PRR12: PM2:Supporting, BP4, BP7